The following is an entry in ClinVar:

NM_001165963.4(SCN1A):c.5215C>G (p.Pro1739Ala)

Genes: SCN1A (sodium voltage-gated channel alpha subunit 1; minus strand), LOC102724058 (uncharacterized LOC102724058; plus strand). Cytogenetic location: 2q24.3.
Variant type: single nucleotide variant.
Coding change: c.5215C>G on transcript NM_001165963.4 (MANE Select); coding-DNA position 5215, C replaced by G.
Protein change: p.Pro1739Ala; replaces proline 1739 with alanine.
Molecular consequence: missense variant. On other transcripts: non-coding transcript variant (1).
Genome position (GRCh38, 1-based): chr2:165,992,060, G>C on the plus strand (C>G on the coding strand, the complement: SCN1A is on the minus strand). VCF-style: chr2-165992060-G-C. GRCh37 (hg19) VCF-style: chr2-166848570-G-C.
Other names: c.5182C>G, p.Pro1728Ala (NM_001353952.2, NM_006920.6, NM_001353949.2 and 2 more transcripts); c.5179C>G, p.Pro1727Ala (NM_001353954.2, NM_001353955.2); c.5131C>G, p.Pro1711Ala (NM_001353957.2, NM_001353958.2, NM_001165964.3); c.5128C>G, p.Pro1710Ala (NM_001353960.2); c.2773C>G, p.Pro925Ala (NM_001353961.2); c.5215C>G, p.Pro1739Ala (NM_001202435.3, NM_001353948.2); short protein forms P1710A, P1739A, P925A, P1711A, P1728A, P1727A.
Identifiers: ClinVar variation 2765979 (VCV002765979.3), dbSNP rs1689271992, ClinGen allele CA349068567.

ClinVar aggregate classification (germline): Uncertain significance (1 of 4 stars; one submission).

Conditions:
Early-infantile DEE. Also called: Ohtahara syndrome; Early infantile epileptic encephalopathy; Early infantile epileptic encephalopathy with suppression bursts. Identifiers: Orphanet 1934, MedGen C0393706, MONDO:0800491.

Submission:

Labcorp Genetics (formerly Invitae), Labcorp
Classification: Uncertain significance for Early-infantile DEE. Last evaluated: 2023-10-05. Review status: criteria provided, single submitter. Criteria: Invitae Variant Classification Sherloc (09022015). Collection method: clinical testing. Allele origin: germline.
Comment: This sequence change replaces proline, which is neutral and non-polar, with alanine, which is neutral and non-polar, at codon 1739 of the SCN1A protein (p.Pro1739Ala). This variant is not present in population databases (gnomAD no frequency). This variant has not been reported in the literature in individuals affected with SCN1A-related conditions. Advanced modeling of protein sequence and biophysical properties (such as structural, functional, and spatial information, amino acid conservation, physicochemical variation, residue mobility, and thermodynamic stability) performed at Invitae indicates that this missense variant is expected to disrupt SCN1A protein function. In summary, the available evidence is currently insufficient to determine the role of this variant in disease. Therefore, it has been classified as a Variant of Uncertain Significance.